The following is an entry in ClinVar:

NM_020320.5(RARS2):c.236G>T (p.Ser79Ile)

Gene: RARS2 (arginyl-tRNA synthetase 2, mitochondrial; minus strand). Cytogenetic location: 6q15.
Variant type: single nucleotide variant.
Coding change: c.236G>T on transcript NM_020320.5 (MANE Select); coding-DNA position 236, G replaced by T.
Protein change: p.Ser79Ile; replaces serine 79 with isoleucine.
Molecular consequence: missense variant. On other transcripts: 5 prime UTR variant (7), non-coding transcript variant (23).
Genome position (GRCh38, 1-based): chr6:87,562,763, C>A on the plus strand (G>T on the coding strand, the complement: RARS2 is on the minus strand). VCF-style: chr6-87562763-C-A. GRCh37 (hg19) VCF-style: chr6-88272481-C-A.
Other names: c.-234G>T (NM_001318785.2, NM_001350509.2); c.236G>T, p.Ser79Ile (NM_001350505.2); c.-290G>T (NM_001350506.2, NM_001350507.2, NM_001350510.2 and 1 more transcripts); c.-452G>T (NM_001350508.2); short protein forms S79I.
Identifiers: ClinVar variation 4540058 (VCV004540058.1).

ClinVar aggregate classification (germline): Uncertain significance (1 of 4 stars; one submission).

Submission:

GeneDx
Classification: Uncertain significance. Last evaluated: 2025-06-23. Review status: criteria provided, single submitter. Criteria: GeneDx Variant Classification Process June 2021. Collection method: clinical testing. Allele origin: germline. Affected: yes.
Comment: Not observed at significant frequency in large population cohorts (gnomAD); In silico analysis supports that this missense variant has a deleterious effect on protein structure/function; Has not been previously published as pathogenic or benign to our knowledge